The following is an entry in ClinVar:

NM_004482.4(GALNT3):c.1609G>C (p.Gly537Arg)

Gene: GALNT3 (polypeptide N-acetylgalactosaminyltransferase 3; minus strand). Cytogenetic location: 2q24.3.
Variant type: single nucleotide variant.
Coding change: c.1609G>C on transcript NM_004482.4 (MANE Select); coding-DNA position 1609, G replaced by C.
Protein change: p.Gly537Arg; replaces glycine 537 with arginine.
Molecular consequence: missense variant.
Genome position (GRCh38, 1-based): chr2:165,754,644, C>G on the plus strand (G>C on the coding strand, the complement: GALNT3 is on the minus strand). VCF-style: chr2-165754644-C-G. GRCh37 (hg19) VCF-style: chr2-166611154-C-G.
Other names: short protein forms G537R.
Identifiers: ClinVar variation 2151730 (VCV002151730.6), dbSNP rs753948743, ClinGen allele CA1940904.
Genomic context (GRCh38, chr2:165,754,644, plus strand): 5'-TGTAAATGCTTTACAAGTGAAGGATTTTTAATGCAGTGCTCACCTGGTTTCCCCCAAGTC[C>G]ATGACATGTATACATAATTAATGGTTTGCCTCCTTGATTGTTTTCTCCAACATCCAGACA-3'
Protein context (NP_004473.2, residues 527-547): GKPLIMYTCH[Gly537Arg]LGGNQYFEYS

ClinVar aggregate classification (germline): Uncertain significance. Review status: criteria provided, multiple submitters, no conflicts (2 of 4 stars). 3 submissions from 3 submitters: Uncertain significance (3). Last evaluated 2024-06-04.

Conditions:
Tumoral calcinosis, hyperphosphatemic, familial, 1. Also called: CALCINOSIS, TUMORAL, WITH HYPERPHOSPHATEMIA; LIPOCALCINOGRANULOMATOSIS; MORBUS TEUTSCHLAENDER; TEUTSCHLAENDER DISEASE, FAMILIAL; TUMORAL CALCINOSIS, PRIMARY HYPERPHOSPHATEMIC; CORTICAL HYPEROSTOSIS WITH HYPERPHOSPHATEMIA. Identifiers: Orphanet 53715, MedGen C4692564, MONDO:0100252, OMIM 211900.

Allele frequency attached by ClinVar (database versions not stated): TOPMed 0.00001.
gnomAD v4.1: 6 of 1,612,608 alleles (0.00037%); highest among the groups gnomAD compares: Non-Finnish European, 0.00051%; no homozygotes.

Submissions (3):

Fulgent Genetics
Classification: Uncertain significance for Tumoral calcinosis, hyperphosphatemic, familial, 1. Last evaluated: 2024-06-04. Review status: criteria provided, single submitter. Criteria: ACMG Guidelines, 2015. Collection method: clinical testing. Allele origin: germline.

Blueprint Genetics
Classification: Uncertain significance. Last evaluated: 2023-11-27. Review status: criteria provided, single submitter. Criteria: ACMG Guidelines, 2015. Collection method: clinical testing. Allele origin: germline.

Labcorp Genetics (formerly Invitae), Labcorp
Classification: Uncertain significance. Last evaluated: 2022-06-14. Review status: criteria provided, single submitter. Criteria: Invitae Variant Classification Sherloc (09022015). Collection method: clinical testing. Allele origin: germline.
Comment: In summary, the available evidence is currently insufficient to determine the role of this variant in disease. Therefore, it has been classified as a Variant of Uncertain Significance. Algorithms developed to predict the effect of missense changes on protein structure and function are either unavailable or do not agree on the potential impact of this missense change (SIFT: "Tolerated"; PolyPhen-2: "Probably Damaging"; Align-GVGD: "Class C0"). This variant has not been reported in the literature in individuals affected with GALNT3-related conditions. This variant is present in population databases (rs753948743, gnomAD 0.0009%). This sequence change replaces glycine, which is neutral and non-polar, with arginine, which is basic and polar, at codon 537 of the GALNT3 protein (p.Gly537Arg).